The following is an entry in ClinVar:

ClinVar aggregate classification (germline): Likely pathogenic. Review status: criteria provided, multiple submitters, no conflicts (2 of 4 stars). 2 submissions from 2 submitters: Likely pathogenic (2). Last evaluated 2024-06-24.

Conditions:
AGPAT2-related disorder. Also called: AGPAT2-related condition.

Submissions (2):

Mayo Clinic Laboratories, Mayo Clinic
Classification: Likely pathogenic. Last evaluated: 2024-06-24. Review status: criteria provided, single submitter. Criteria: ACMG Guidelines, 2015. Collection method: clinical testing. Allele origin: germline. Observed: 1 variant allele.
Comment: PP4, PM2, PVS1_strong

PreventionGenetics, part of Exact Sciences
Classification: Likely pathogenic for AGPAT2-related condition. Last evaluated: 2023-07-18. Review status: criteria provided, single submitter. Criteria: ACMG Guidelines, 2015. Collection method: clinical testing. Allele origin: germline.
Comment: The AGPAT2 c.656_660del5 variant is predicted to result in a frameshift and premature protein termination (p.Thr219Argfs*256). To our knowledge, this variant has not been reported in the literature or in a large population database, indicating this variant is rare. Frameshift variants in AGPAT2 are expected to be pathogenic. This variant is interpreted as likely pathogenic.

Literature cited by the submitters: PubMed 12765973 (cited by Mayo Clinic Laboratories, Mayo Clinic); PubMed 32412105 (cited by Mayo Clinic Laboratories, Mayo Clinic); PubMed 32924125 (cited by Mayo Clinic Laboratories, Mayo Clinic).

NM_006412.4(AGPAT2):c.656_660del (p.Thr219fs)

Gene: AGPAT2 (1-acylglycerol-3-phosphate O-acyltransferase 2; minus strand). Cytogenetic location: 9q34.3.
Variant type: Microsatellite.
Coding change: c.656_660del on transcript NM_006412.4 (MANE Select); coding-DNA positions 656 to 660, 5 bases deleted (CTTCA; older notation c.656_660delCTTCA).
Protein change: p.Thr219fs; shifts the reading frame from threonine 219.
Molecular consequence: frameshift variant.
Genome position (GRCh38, 1-based): chr9:136,674,736-136,674,740, TGAAG deleted on the plus strand (CTTCA on the coding strand, the reverse complement: AGPAT2 is on the minus strand); deleting any 5 consecutive bases within chr9:136,674,736-136,674,745 gives the same sequence; the c. name uses the placement nearest the transcript's 3' end. VCF-style (leftmost placement, unchanged base first): chr9-136674735-CTGAAG-C. GRCh37 (hg19) VCF-style: chr9-139569187-CTGAAG-C.
Other names: p.Thr219Argfs*256; c.560_564del, p.Thr187fs (NM_001012727.2); short protein forms T187fs, T219fs.
Identifiers: ClinVar variation 2629060 (VCV002629060.2), dbSNP rs1437995318, ClinGen allele CA861081233.